The following is an entry in ClinVar:

ClinVar aggregate classification (germline): Likely benign. Review status: criteria provided, single submitter (1 of 4 stars). 2 submissions from 2 submitters: Likely benign (1). 1 of the submissions does not count toward it. Last evaluated 2022-11-15.

Conditions:
WASF1-related disorder. Also called: WASF1-related condition.

Submissions (2):

Blueprint Genetics
Classification: Likely benign. Last evaluated: 2022-11-15. Review status: criteria provided, single submitter. Criteria: ACMG Guidelines, 2015. Collection method: clinical testing. Allele origin: germline.

PreventionGenetics, part of Exact Sciences
Classification: Likely benign for WASF1-related condition. Last evaluated: 2019-05-21. Review status: no assertion criteria provided. Collection method: clinical testing. Allele origin: germline. Not counted in ClinVar's aggregate classification.
Comment: This variant is classified as likely benign based on ACMG/AMP sequence variant interpretation guidelines (Richards et al. 2015 PMID: 25741868, with internal and published modifications).

NM_003931.3(WASF1):c.1083T>A (p.Thr361=)

Gene: WASF1 (WASP family member 1; minus strand). Cytogenetic location: 6q21.
Variant type: single nucleotide variant.
Coding change: c.1083T>A on transcript NM_003931.3 (MANE Select); coding-DNA position 1083, T replaced by A.
Protein change: p.Thr361=; no amino-acid change (threonine 361 retained).
Molecular consequence: synonymous variant.
Genome position (GRCh38, 1-based): chr6:110,102,027, A>T on the plus strand (T>A on the coding strand, the complement: WASF1 is on the minus strand). VCF-style: chr6-110102027-A-T. GRCh37 (hg19) VCF-style: chr6-110423230-A-T.
Other names: c.1083T>A, p.Thr361= (NM_001024934.2, NM_001024935.2, NM_001024936.2).
Identifiers: ClinVar variation 3038582 (VCV003038582.3), dbSNP rs2114447003, ClinGen allele CA451873271.
Genomic context (GRCh38, chr6:110,102,027, plus strand): 5'-AACTCCAGGGGCAATCTGAAGAGGAGCTGGAGGTGGTGGTACTGCTGGAGCTTGCAAAGC[A>T]GTGGCTGGAGGTGGAGGTGGGGGAGGTACTGGAGGGGGAGGAGTTGAAGTCATTGAAGCT-3'
Protein context (NP_003922.1, residues 351-371): PVPPPPPPPA[Thr361=]ALQAPAVPPP